The following is an entry in ClinVar:

NM_015466.4(PTPN23):c.3388G>A (p.Gly1130Ser)

Gene: PTPN23 (protein tyrosine phosphatase non-receptor type 23; plus strand). Cytogenetic location: 3p21.31.
Variant type: single nucleotide variant.
Coding change: c.3388G>A on transcript NM_015466.4 (MANE Select); coding-DNA position 3388, G replaced by A.
Protein change: p.Gly1130Ser; replaces glycine 1130 with serine.
Molecular consequence: missense variant.
Genome position (GRCh38, 1-based): chr3:47,411,186, G>A. VCF-style: chr3-47411186-G-A. GRCh37 (hg19) VCF-style: chr3-47452676-G-A.
Other names: c.3010G>A, p.Gly1004Ser (NM_001304482.2); short protein forms G1130S, G1004S.
Identifiers: ClinVar variation 218719 (VCV000218719.42), dbSNP rs138329311, ClinGen allele CA249071.
Genomic context (GRCh38, chr3:47,411,186, plus strand): 5'-CTGCGCCGAGGCGCCGCAGCTGCAGACCTGCTCTCCTCCAGCCCGGAGAGCCAGCATGGC[G>A]GCACTCAGTCTCCTGGGGGTGGGCAGCCCCTGCTGCAGCCCACCAAGGTGGATGCAGCTG-3'
Protein context (NP_056281.1, residues 1120-1140): LSSSPESQHG[Gly1130Ser]TQSPGGGQPL

ClinVar aggregate classification (germline): Conflicting classifications of pathogenicity. Review status: criteria provided, conflicting classifications (1 of 4 stars). 3 submissions from 3 submitters: Uncertain significance (1); Benign (2). Last evaluated 2026-09-01.

Allele frequency attached by ClinVar (database versions not stated): 1000 Genomes Project 30x 0.00328; 1000 Genomes Project 0.00359; gnomAD exomes 0.00625 and 0.00951; gnomAD 0.00656 and 0.00677; TOPMed 0.00674; ESP Exome Variant Server 0.00693; ExAC 0.00783.
gnomAD v4.1: 14,651 of 1,603,578 alleles (0.91%); highest among the groups gnomAD compares: Non-Finnish European, 1.1%; 94 homozygotes.

Submissions (3):

CeGaT Center for Human Genetics Tuebingen
Classification: Benign. Last evaluated: 2026-09-01. Review status: criteria provided, single submitter. Criteria: CeGaT Center For Human Genetics Tuebingen Variant Classification Criteria Version 2. Collection method: clinical testing. Allele origin: germline. Affected: yes. Observed: 47 variant alleles.
Comment: PTPN23: BS1, BS2

Labcorp Genetics (formerly Invitae), Labcorp
Classification: Benign. Last evaluated: 2026-02-03. Review status: criteria provided, single submitter. Criteria: Invitae Variant Classification Sherloc (09022015). Collection method: clinical testing. Allele origin: germline.

Genomic Diagnostic Laboratory, Division of Genomic Diagnostics, Children's Hospital of Philadelphia
Classification: Uncertain significance. Last evaluated: 2015-03-25. Review status: criteria provided, single submitter. Criteria: DGD Variant Analysis Guidelines. Collection method: clinical testing. Allele origin: unknown.